The following is an entry in ClinVar:

ClinVar aggregate classification (germline): Conflicting classifications of pathogenicity. Review status: criteria provided, conflicting classifications (1 of 4 stars). 4 submissions from 4 submitters: Uncertain significance (3); Likely benign (1). Last evaluated 2025-06-06.

Conditions:
POLD1-related polyposis and colorectal cancer syndrome (CRCS10). Also called: Colorectal cancer 10; COLORECTAL CANCER, SUSCEPTIBILITY TO, ON CHROMOSOME 19q; Colorectal cancer, susceptibility to, 10. Identifiers: Orphanet 220460, MedGen C2675481, MONDO:0012953, OMIM 612591.
Hereditary cancer-predisposing syndrome. Also called: Hereditary neoplastic syndrome; Tumor predisposition; Neoplastic Syndromes, Hereditary; Hereditary Cancer Syndrome. Identifiers: Orphanet 140162, MedGen C0027672, MeSH D009386, MONDO:0015356.

Allele frequency attached by ClinVar (database versions not stated): gnomAD exomes below 0.00001.
gnomAD v4.1: 1 of 1,557,756 alleles (0.000064%); no homozygotes.

Submissions (4):

Ambry Genetics
Classification: Likely benign for Hereditary cancer-predisposing syndrome. Last evaluated: 2025-06-06. Review status: criteria provided, single submitter. Criteria: Ambry Variant Classification Scheme 2023. Collection method: clinical testing. Allele origin: germline.

Labcorp Genetics (formerly Invitae), Labcorp
Classification: Uncertain significance for POLD1-related polyposis and colorectal cancer syndrome. Last evaluated: 2024-10-21. Review status: criteria provided, single submitter. Criteria: Invitae Variant Classification Sherloc (09022015). Collection method: clinical testing. Allele origin: germline.
Comment: This sequence change replaces glutamic acid, which is acidic and polar, with lysine, which is basic and polar, at codon 375 of the POLD1 protein (p.Glu375Lys). This variant is not present in population databases (gnomAD no frequency). This variant has not been reported in the literature in individuals affected with POLD1-related conditions. ClinVar contains an entry for this variant (Variation ID: 946160). Invitae Evidence Modeling of protein sequence and biophysical properties (such as structural, functional, and spatial information, amino acid conservation, physicochemical variation, residue mobility, and thermodynamic stability) indicates that this missense variant is not expected to disrupt POLD1 protein function with a negative predictive value of 80%. In summary, the available evidence is currently insufficient to determine the role of this variant in disease. Therefore, it has been classified as a Variant of Uncertain Significance.

Baylor Genetics
Classification: Uncertain significance for POLD1-related polyposis and colorectal cancer syndrome. Last evaluated: 2024-02-28. Review status: criteria provided, single submitter. Criteria: ACMG Guidelines, 2015. Collection method: clinical testing. Allele origin: unknown.

Sema4
Classification: Uncertain significance for Hereditary cancer-predisposing syndrome. Last evaluated: 2021-11-18. Review status: criteria provided, single submitter. Criteria: Sema4 Curation Guidelines. Collection method: curation. Allele origin: germline.
Comment: The POLD1 c.1123G>A (p.E375K) variant has not been reported in the literature to our knowledge. It was not observed in the large and broad cohorts of the Genome Aggregation Database (PMID: 32461654). This variant has been reported in ClinVar (Variation ID 946160). In silico tools suggest the impact of the variant on protein function is benign, though these predictions have not been confirmed by functional studies. The evidence is insufficient to meet ACMG/AMP criteria for classifying the variant as benign or pathogenic. Thus, the clinical significance of this variant is currently uncertain.

NM_002691.4(POLD1):c.1123G>A (p.Glu375Lys)

Gene: POLD1 (DNA polymerase delta 1, catalytic subunit; plus strand). Cytogenetic location: 19q13.33.
Variant type: single nucleotide variant.
Coding change: c.1123G>A on transcript NM_002691.4 (MANE Select); coding-DNA position 1123, G replaced by A.
Protein change: p.Glu375Lys; replaces glutamic acid 375 with lysine.
Molecular consequence: missense variant. On other transcripts: non-coding transcript variant (1).
Genome position (GRCh38, 1-based): chr19:50,403,205, G>A. VCF-style: chr19-50403205-G-A. GRCh37 (hg19) VCF-style: chr19-50906462-G-A.
Other names: c.1123G>A, p.Glu375Lys (NM_001256849.1, NM_001308632.1); short protein forms E375K.
Identifiers: ClinVar variation 946160 (VCV000946160.13), dbSNP rs2038731369, ClinGen allele CA406978375.